The following is an entry in ClinVar:

NM_024642.5(GALNT12):c.705A>C (p.Glu235Asp)

Gene: GALNT12 (polypeptide N-acetylgalactosaminyltransferase 12; plus strand). Cytogenetic location: 9q22.33.
Variant type: single nucleotide variant.
Coding change: c.705A>C on transcript NM_024642.5 (MANE Select); coding-DNA position 705, A replaced by C.
Protein change: p.Glu235Asp; replaces glutamic acid 235 with aspartic acid.
Molecular consequence: missense variant.
Genome position (GRCh38, 1-based): chr9:98,826,915, A>C. VCF-style: chr9-98826915-A-C. GRCh37 (hg19) VCF-style: chr9-101589197-A-C.
Other names: short protein forms E235D.
Identifiers: ClinVar variation 1756911 (VCV001756911.2), dbSNP rs2490502493, ClinGen allele CA374217810.

ClinVar aggregate classification (germline): Uncertain significance (1 of 4 stars; one submission).

Submission:

Ambry Genetics
Classification: Uncertain significance. Last evaluated: 2021-06-13. Review status: criteria provided, single submitter. Criteria: Ambry Variant Classification Scheme 2023. Collection method: clinical testing. Allele origin: germline.
Comment: The p.E235D variant (also known as c.705A>C), located in coding exon 3 of the GALNT12 gene, results from an A to C substitution at nucleotide position 705. The glutamic acid at codon 235 is replaced by aspartic acid, an amino acid with highly similar properties. This amino acid position is conserved. In addition, this alteration is predicted to be tolerated by in silico analysis. Since supporting evidence is limited at this time, the clinical significance of this alteration remains unclear.